The following is an entry in ClinVar:

NM_000256.3(MYBPC3):c.1701delinsACACCTTTGAAT (p.Glu567_Val568insHisLeuTer)

Gene: MYBPC3 (myosin binding protein C3; minus strand). Cytogenetic location: 11p11.2.
Variant type: Indel.
Coding change: c.1701delinsACACCTTTGAAT on transcript NM_000256.3 (MANE Select); coding-DNA position 1701, G replaced by ACACCTTTGAAT.
Protein change: p.Glu567_Val568insHisLeuTer.
Molecular consequence: nonsense, inframe insertion.
Genome position (GRCh38, 1-based): chr11:47,342,080, C replaced by ATTCAAAGGTGT on the plus strand (G replaced by ACACCTTTGAAT on the coding strand, the reverse complement: MYBPC3 is on the minus strand). VCF-style: chr11-47342080-C-ATTCAAAGGTGT. GRCh37 (hg19) VCF-style: chr11-47363631-C-ATTCAAAGGTGT.
Identifiers: ClinVar variation 2577824 (VCV002577824.2), dbSNP rs2495761329, ClinGen allele CA913187806.

ClinVar aggregate classification (germline): Pathogenic (1 of 4 stars; one submission).

Submission:

GeneDx
Classification: Pathogenic. Last evaluated: 2026-06-08. Review status: criteria provided, single submitter. Criteria: GeneDx Variant Classification Process June 2021. Collection method: clinical testing. Allele origin: germline.
Comment: Frameshift variant predicted to result in protein truncation or nonsense mediated decay in a gene for which loss-of-function is a known mechanism of disease; Not observed at significant frequency in large population cohorts (gnomAD); Has not been previously published as pathogenic or benign to our knowledge; This variant is associated with the following publications: (PMID: 31447099)